The following is an entry in ClinVar:

ClinVar aggregate classification (germline): Uncertain significance. Review status: criteria provided, multiple submitters, no conflicts (2 of 4 stars). 3 submissions from 3 submitters: Uncertain significance (3). Last evaluated 2025-11-17.

Conditions:
Inborn genetic diseases. Identifiers: MedGen C0950123, MeSH D030342.
Ulnar-mammary syndrome (UMS). Also called: PALLISTER ULNAR-MAMMARY SYNDROME; SCHINZEL SYNDROME; Ulnar-mammary syndrome of Pallister. Identifiers: Orphanet 3138, MedGen C1866994, MONDO:0008411, OMIM 181450.
TBX3-related disorder. Also called: TBX3-related condition.

gnomAD v4.1: 26 of 1,605,074 alleles (0.0016%); highest among the groups gnomAD compares: Non-Finnish European, 0.0022%; no homozygotes.

Submissions (3):

PreventionGenetics, part of Exact Sciences
Classification: Uncertain significance for TBX3-related condition. Last evaluated: 2025-11-17. Review status: criteria provided, single submitter. Criteria: ACMG Guidelines, 2015. Collection method: clinical testing. Allele origin: germline.
Comment: The TBX3 c.1232C>G variant is predicted to result in the amino acid substitution p.Ala411Gly. To our knowledge, this variant has not been reported in the literature. This variant is reported in 0.0017% of alleles in individuals of European (Non-Finnish) descent in gnomAD. At this time, the clinical significance of this variant is uncertain due to the absence of conclusive functional and genetic evidence.

Labcorp Genetics (formerly Invitae), Labcorp
Classification: Uncertain significance for Ulnar-mammary syndrome. Last evaluated: 2025-01-18. Review status: criteria provided, single submitter. Criteria: Invitae Variant Classification Sherloc (09022015). Collection method: clinical testing. Allele origin: germline.
Comment: This sequence change replaces alanine, which is neutral and non-polar, with glycine, which is neutral and non-polar, at codon 391 of the TBX3 protein (p.Ala391Gly). This variant is present in population databases (rs755311630, gnomAD 0.002%). This variant has not been reported in the literature in individuals affected with TBX3-related conditions. ClinVar contains an entry for this variant (Variation ID: 2846464). An algorithm developed to predict the effect of missense changes on protein structure and function outputs the following: PolyPhen-2: "Benign". The glycine amino acid residue is found in multiple mammalian species, which suggests that this missense change does not adversely affect protein function. In summary, the available evidence is currently insufficient to determine the role of this variant in disease. Therefore, it has been classified as a Variant of Uncertain Significance.

Ambry Genetics
Classification: Uncertain significance for Inborn genetic diseases. Last evaluated: 2023-09-22. Review status: criteria provided, single submitter. Criteria: Ambry Variant Classification Scheme 2023. Collection method: clinical testing. Allele origin: germline.

NM_005996.4(TBX3):c.1172C>G (p.Ala391Gly)

Gene: TBX3 (T-box transcription factor 3; minus strand). Cytogenetic location: 12q24.21.
Variant type: single nucleotide variant.
Coding change: c.1172C>G on transcript NM_005996.4 (MANE Select); coding-DNA position 1172, C replaced by G.
Protein change: p.Ala391Gly; replaces alanine 391 with glycine.
Molecular consequence: missense variant.
Genome position (GRCh38, 1-based): chr12:114,674,703, G>C on the plus strand (C>G on the coding strand, the complement: TBX3 is on the minus strand). VCF-style: chr12-114674703-G-C. GRCh37 (hg19) VCF-style: chr12-115112508-G-C.
Other names: c.1172C>G (NM_005996.3); c.1232C>G, p.Ala411Gly (NM_016569.4); c.1232C>G (NM_016569.3); short protein forms A411G, A391G.
Identifiers: ClinVar variation 2846464 (VCV002846464.5), dbSNP rs755311630, ClinGen allele CA6809977.